The following is an entry in ClinVar:

NM_138387.4(G6PC3):c.920G>C (p.Ser307Thr)

Gene: G6PC3 (glucose-6-phosphatase catalytic subunit 3; plus strand). Cytogenetic location: 17q21.31.
Variant type: single nucleotide variant.
Coding change: c.920G>C on transcript NM_138387.4 (MANE Select); coding-DNA position 920, G replaced by C.
Protein change: p.Ser307Thr; replaces serine 307 with threonine.
Molecular consequence: missense variant. On other transcripts: 3 prime UTR variant (1).
Genome position (GRCh38, 1-based): chr17:44,075,922, G>C. VCF-style: chr17-44075922-G-C. GRCh37 (hg19) VCF-style: chr17-42153290-G-C.
Other names: c.*213G>C (NM_001319945.2); c.575G>C, p.Ser192Thr (NM_001384165.1, NM_001384166.1, NM_001384167.1 and 1 more transcripts); short protein forms S192T, S307T.
Identifiers: ClinVar variation 4027579 (VCV004027579.1).
Genomic context (GRCh38, chr17:44,075,922, plus strand): 5'-TTGTGCTGGCCATGGGGCTGCTGGGCCCCCTGGACTGGCTGGGCCACCCCCCTCAGATCA[G>C]CCTCTTCTACATTTTCAATTTCCTCAAGTACACCCTCTGGCCATGCCTAGTCCTGGCCCT-3'
Protein context (NP_612396.1, residues 297-317): LDWLGHPPQI[Ser307Thr]LFYIFNFLKY

ClinVar aggregate classification (germline): Uncertain significance (1 of 4 stars; one submission).

Conditions:
Inborn genetic diseases. Identifiers: MedGen C0950123, MeSH D030342.

Submission:

Ambry Genetics
Classification: Uncertain significance for Inborn genetic diseases. Last evaluated: 2025-04-10. Review status: criteria provided, single submitter. Criteria: Ambry Variant Classification Scheme 2023. Collection method: clinical testing. Allele origin: germline.
Comment: The p.S307T variant (also known as c.920G>C), located in coding exon 6 of the G6PC3 gene, results from a G to C substitution at nucleotide position 920. The serine at codon 307 is replaced by threonine, an amino acid with similar properties. This amino acid position is conserved. In addition, this alteration is predicted to be tolerated by in silico analysis. Based on the available evidence, the clinical significance of this variant remains unclear.